The following is an entry in ClinVar:

NM_015450.3(POT1):c.924A>G (p.Gln308=)

Gene: POT1 (protection of telomeres 1; minus strand). Cytogenetic location: 7q31.33.
Variant type: single nucleotide variant.
Coding change: c.924A>G on transcript NM_015450.3 (MANE Select); coding-DNA position 924, A replaced by G.
Protein change: p.Gln308=; no amino-acid change (glutamine 308 retained).
Molecular consequence: synonymous variant. On other transcripts: non-coding transcript variant (3).
Genome position (GRCh38, 1-based): chr7:124,851,897, T>C on the plus strand (A>G on the coding strand, the complement: POT1 is on the minus strand). VCF-style: chr7-124851897-T-C. GRCh37 (hg19) VCF-style: chr7-124491951-T-C.
Other names: p.Gln308=; c.531A>G, p.Gln177= (NM_001042594.2).
Identifiers: ClinVar variation 475114 (VCV000475114.28), dbSNP rs34398311, ClinGen allele CA4465311.

ClinVar aggregate classification (germline): Benign. Review status: criteria provided, multiple submitters, no conflicts (2 of 4 stars). 9 submissions from 9 submitters: Benign (9). Last evaluated 2026-02-04.

Conditions:
Pulmonary fibrosis and/or bone marrow failure syndrome, telomere-related, 8 (PFBMFT8). Identifiers: MedGen C5830496, MONDO:0957263, OMIM 620367.
Tumor predisposition syndrome 3 (TPDS3). Also called: Glioma susceptibility 9; LONG TELOMERE SYNDROME, POT1-RELATED; POT1 Tumor Predisposition; Melanoma, cutaneous malignant, susceptibility to, 10. Identifiers: Orphanet 618, MedGen C4014476, MONDO:0014368, OMIM 615848.
Cerebroretinal microangiopathy with calcifications and cysts 3 (CRMCC3). Identifiers: MedGen C5830497, MONDO:0957264, OMIM 620368.
Hereditary cancer-predisposing syndrome. Also called: Hereditary neoplastic syndrome; Hereditary Cancer Syndrome; Neoplastic Syndromes, Hereditary; Tumor predisposition. Identifiers: Orphanet 140162, MedGen C0027672, MeSH D009386, MONDO:0015356.

Allele frequency attached by ClinVar (database versions not stated): gnomAD 0.00206 and 0.00305; gnomAD exomes 0.00213 and 0.00648; TOPMed 0.00314; ESP Exome Variant Server 0.00015; ExAC 0.00629; 1000 Genomes Project 30x 0.01749; 1000 Genomes Project 0.01977.
gnomAD v4.1: 3,738 of 1,610,996 alleles (0.23%); highest among the groups gnomAD compares: East Asian, 7%; 138 homozygotes.

Submissions (9):

Labcorp Genetics (formerly Invitae), Labcorp
Classification: Benign for Tumor predisposition syndrome 3. Last evaluated: 2026-02-04. Review status: criteria provided, single submitter. Criteria: Invitae Variant Classification Sherloc (09022015). Collection method: clinical testing. Allele origin: germline.

Quest Diagnostics Nichols Institute San Juan Capistrano
Classification: Benign. Last evaluated: 2025-07-23. Review status: criteria provided, single submitter. Criteria: Quest Diagnostics criteria. Collection method: clinical testing. Allele origin: unknown.

ARUP Laboratories, Molecular Genetics and Genomics, ARUP Laboratories
Classification: Benign. Last evaluated: 2025-06-06. Review status: criteria provided, single submitter. Criteria: ARUP Molecular Germline Variant Investigation Process 2024. Collection method: clinical testing. Allele origin: germline.

Center for Genomic Medicine, Rigshospitalet, Copenhagen University Hospital
Classification: Benign. Last evaluated: 2025-03-04. Review status: criteria provided, single submitter. Criteria: ACMG Guidelines, 2015. Collection method: clinical testing. Allele origin: germline.

Mayo Clinic Laboratories, Mayo Clinic
Classification: Benign. Last evaluated: 2022-09-06. Review status: criteria provided, single submitter. Criteria: ACMG Guidelines, 2015. Collection method: clinical testing. Allele origin: germline. Observed: 3 variant alleles.

Department of Pathology and Laboratory Medicine, Sinai Health System
Classification: Benign for Tumor predisposition syndrome 3; Pulmonary fibrosis and/or bone marrow failure syndrome, telomere-related, 8; Cerebroretinal microangiopathy with calcifications and cysts 3. Last evaluated: 2022-02-09. Review status: criteria provided, single submitter. Criteria: ACMG Guidelines, 2015. Collection method: clinical testing. Allele origin: germline. Affected: yes.

GeneDx
Classification: Benign. Last evaluated: 2018-01-03. Review status: criteria provided, single submitter. Criteria: GeneDx Variant Classification (06012015). Collection method: clinical testing. Allele origin: germline. Affected: yes.
Comment: This variant is considered likely benign or benign based on one or more of the following criteria: it is a conservative change, it occurs at a poorly conserved position in the protein, it is predicted to be benign by multiple in silico algorithms, and/or has population frequency not consistent with disease.

Ambry Genetics
Classification: Benign for Hereditary cancer-predisposing syndrome. Last evaluated: 2017-01-20. Review status: criteria provided, single submitter. Criteria: Ambry Variant Classification Scheme 2023. Collection method: clinical testing. Allele origin: germline.

Breakthrough Genomics
Classification: Benign. Review status: criteria provided, single submitter. Criteria: ACMG Guidelines, 2015. Collection method: not provided. Allele origin: germline. Inheritance: Autosomal dominant inheritance. Affected: yes.

Literature cited by the submitters: PubMed 29523635 (cited by Quest Diagnostics Nichols Institute San Juan Capistrano).